The following is an entry in ClinVar:

NM_000094.4(COL7A1):c.5863G>A (p.Ala1955Thr)

Gene: COL7A1 (collagen type VII alpha 1 chain; minus strand). Cytogenetic location: 3p21.31.
Variant type: single nucleotide variant.
Coding change: c.5863G>A on transcript NM_000094.4 (MANE Select); coding-DNA position 5863, G replaced by A.
Protein change: p.Ala1955Thr; replaces alanine 1955 with threonine.
Molecular consequence: missense variant.
Genome position (GRCh38, 1-based): chr3:48,575,742, C>T on the plus strand (G>A on the coding strand, the complement: COL7A1 is on the minus strand). VCF-style: chr3-48575742-C-T. GRCh37 (hg19) VCF-style: chr3-48613175-C-T.
Other names: short protein forms A1955T.
Identifiers: ClinVar variation 1510199 (VCV001510199.6), dbSNP rs2107676519, ClinGen allele CA352665516.

ClinVar aggregate classification (germline): Uncertain significance (1 of 4 stars; one submission).

Submission:

Labcorp Genetics (formerly Invitae), Labcorp
Classification: Uncertain significance. Last evaluated: 2025-10-01. Review status: criteria provided, single submitter. Criteria: Invitae Variant Classification Sherloc (09022015). Collection method: clinical testing. Allele origin: germline.
Comment: This sequence change replaces alanine, which is neutral and non-polar, with threonine, which is neutral and polar, at codon 1955 of the COL7A1 protein (p.Ala1955Thr). This variant is not present in population databases (gnomAD no frequency). This variant has not been reported in the literature in individuals affected with COL7A1-related conditions. ClinVar contains an entry for this variant (Variation ID: 1510199). Invitae Evidence Modeling of protein sequence and biophysical properties (such as structural, functional, and spatial information, amino acid conservation, physicochemical variation, residue mobility, and thermodynamic stability) indicates that this missense variant is not expected to disrupt COL7A1 protein function with a negative predictive value of 95%. In summary, the available evidence is currently insufficient to determine the role of this variant in disease. Therefore, it has been classified as a Variant of Uncertain Significance.